The following is an entry in ClinVar:

NM_001033855.3(DCLRE1C):c.1008C>T (p.Asn336=)

Gene: DCLRE1C (DNA cross-link repair 1C; minus strand). Cytogenetic location: 10p13.
Variant type: single nucleotide variant.
Coding change: c.1008C>T on transcript NM_001033855.3 (MANE Select); coding-DNA position 1008, C replaced by T.
Protein change: p.Asn336=; no amino-acid change (asparagine 336 retained).
Molecular consequence: synonymous variant. On other transcripts: non-coding transcript variant (4).
Genome position (GRCh38, 1-based): chr10:14,923,034, G>A on the plus strand (C>T on the coding strand, the complement: DCLRE1C is on the minus strand). VCF-style: chr10-14923034-G-A. GRCh37 (hg19) VCF-style: chr10-14965033-G-A.
Other names: p.Asn336=; c.648C>T, p.Asn216= (NM_001033857.3, NM_001033858.3, NM_001289077.2 and 2 more transcripts); c.663C>T, p.Asn221= (NM_001289076.2, NM_001289078.2, NM_001350966.2 and 1 more transcripts); c.1008C>T, p.Asn336= (NM_001350965.2).
Identifiers: ClinVar variation 468481 (VCV000468481.64), dbSNP rs115524993, ClinGen allele CA5416585.
Genomic context (GRCh38, chr10:14,923,034, plus strand): 5'-TACTCACATTTCGACAACTTTATCCATAGTTGTGCCAACTGGAATGACATTTGGATATGC[G>A]TTCACAGGACAGAGGTAGCTCAAGAAATCTTTAATCTAGAAAAAGGAAAATCACATGGAT-3'
Protein context (NP_001029027.1, residues 326-346): KDFLSYLCPV[Asn336=]AYPNVIPVGT

ClinVar aggregate classification (germline): Benign/Likely benign. Review status: criteria provided, multiple submitters, no conflicts (2 of 4 stars). 7 submissions from 7 submitters: Benign (2); Likely benign (5). Last evaluated 2026-04-01.

Conditions:
Severe combined immunodeficiency due to DCLRE1C deficiency (RS-SCID). Also called: SCID, AUTOSOMAL RECESSIVE, T CELL-NEGATIVE, B CELL-NEGATIVE, NK CELL-POSITIVE, WITH SENSITIVITY TO IONIZING RADIATION. Identifiers: Orphanet 275, MedGen C1865371, MONDO:0011225, OMIM 602450.

Allele frequency attached by ClinVar (database versions not stated): gnomAD exomes 0.00057; ExAC 0.00065; 1000 Genomes Project 0.00180; gnomAD 0.00209 and 0.00222; 1000 Genomes Project 30x 0.00250; TOPMed 0.00250; ESP Exome Variant Server 0.00292.
gnomAD v4.1: 785 of 1,614,012 alleles (0.049%); highest among the groups gnomAD compares: African/African-American, 0.77%; 4 homozygotes.

Submissions (7):

CeGaT Center for Human Genetics Tuebingen
Classification: Likely benign. Last evaluated: 2026-04-01. Review status: criteria provided, single submitter. Criteria: CeGaT Center For Human Genetics Tuebingen Variant Classification Criteria Version 2. Collection method: clinical testing. Allele origin: germline. Affected: yes. Observed: 1 variant allele.
Comment: DCLRE1C: BP4, BP7

Labcorp Genetics (formerly Invitae), Labcorp
Classification: Benign for Athabaskan severe combined immunodeficiency. Last evaluated: 2026-01-23. Review status: criteria provided, single submitter. Criteria: Invitae Variant Classification Sherloc (09022015). Collection method: clinical testing. Allele origin: germline.

Women's Health and Genetics/Laboratory Corporation of America, LabCorp
Classification: Likely benign. Last evaluated: 2024-12-06. Review status: criteria provided, single submitter. Criteria: LabCorp Variant Classification Summary - May 2015. Collection method: clinical testing. Allele origin: germline.

Mayo Clinic Laboratories, Mayo Clinic
Classification: Likely benign. Last evaluated: 2024-11-05. Review status: criteria provided, single submitter. Criteria: ACMG Guidelines, 2015. Collection method: clinical testing. Allele origin: germline. Observed: 2 variant alleles.
Comment: BS1, BP4, BP7

Blueprint Genetics
Classification: Likely benign. Last evaluated: 2024-11-01. Review status: criteria provided, single submitter. Criteria: ACMG Guidelines, 2015. Collection method: clinical testing. Allele origin: germline.

ARUP Laboratories, Molecular Genetics and Genomics, ARUP Laboratories
Classification: Likely benign. Last evaluated: 2024-08-28. Review status: criteria provided, single submitter. Criteria: ARUP Molecular Germline Variant Investigation Process 2024. Collection method: clinical testing. Allele origin: germline.

GeneDx
Classification: Benign. Last evaluated: 2015-03-03. Review status: criteria provided, single submitter. Criteria: GeneDx Variant Classification Process June 2021. Collection method: clinical testing. Allele origin: germline. Affected: yes.